The following is an entry in ClinVar:

NM_001009944.3(PKD1):c.2848C>A (p.Leu950Ile)

Gene: PKD1 (polycystin 1, transient receptor potential channel interacting; minus strand). Cytogenetic location: 16p13.3.
Variant type: single nucleotide variant.
Coding change: c.2848C>A on transcript NM_001009944.3 (MANE Select); coding-DNA position 2848, C replaced by A.
Protein change: p.Leu950Ile; replaces leucine 950 with isoleucine.
Molecular consequence: missense variant.
Genome position (GRCh38, 1-based): chr16:2,114,175, G>T on the plus strand (C>A on the coding strand, the complement: PKD1 is on the minus strand). VCF-style: chr16-2114175-G-T. GRCh37 (hg19) VCF-style: chr16-2164176-G-T.
Other names: c.2848C>A, p.Leu950Ile (NM_000296.4); short protein forms L950I.
Identifiers: ClinVar variation 3253130 (VCV003253130.2), dbSNP rs368272435.
Genomic context (GRCh38, chr16:2,114,175, plus strand): 5'-CCCTGTCTGCAGGCACCTGCCTGGGGGCTGGTGGTGGAGCCTCGGCCATACTCACCACTA[G>T]GACTCCCTGCAGTACACGGGCCTCGGGGCTGGGCGTGGCGCGGAGGCCACAGATGGGCTC-3'
Protein context (NP_001009944.3, residues 940-960): SPEARVLQGV[Leu950Ile]VRYSPVVEAG

ClinVar aggregate classification (germline): Uncertain significance. Review status: criteria provided, multiple submitters, no conflicts (2 of 4 stars). 2 submissions from 2 submitters: Uncertain significance (2). Last evaluated 2025-09-29.

Conditions:
PKD1-related disorder. Also called: PKD1-related condition.

Allele frequency attached by ClinVar (database versions not stated): ESP Exome Variant Server 0.00008.
gnomAD v4.1: 56 of 1,605,332 alleles (0.0035%); highest among the groups gnomAD compares: African/African-American, 0.059%; no homozygotes.

Submissions (2):

PreventionGenetics, part of Exact Sciences
Classification: Uncertain significance for PKD1-related condition. Last evaluated: 2025-09-29. Review status: criteria provided, single submitter. Criteria: ACMG Guidelines, 2015. Collection method: clinical testing. Allele origin: germline.
Comment: The PKD1 c.2848C>A variant is predicted to result in the amino acid substitution p.Leu950Ile. To our knowledge, this variant has not been reported in the literature. This variant is reported in 0.048% of alleles in individuals of African descent in gnomAD. At this time, the clinical significance of this variant is uncertain due to the absence of conclusive functional and genetic evidence.

GeneDx
Classification: Uncertain significance. Last evaluated: 2023-11-29. Review status: criteria provided, single submitter. Criteria: GeneDx Variant Classification Process June 2021. Collection method: clinical testing. Allele origin: germline. Affected: yes.
Comment: In silico analysis supports that this missense variant does not alter protein structure/function; Has not been previously published as pathogenic or benign to our knowledge